The following is an entry in ClinVar:

ClinVar aggregate classification (germline): Uncertain significance. Review status: criteria provided, multiple submitters, no conflicts (2 of 4 stars). 2 submissions from 2 submitters: Uncertain significance (2). Last evaluated 2026-06-29.

Conditions:
Hereditary cancer-predisposing syndrome. Also called: Hereditary Cancer Syndrome; Hereditary neoplastic syndrome; Neoplastic Syndromes, Hereditary; Tumor predisposition. Identifiers: Orphanet 140162, MedGen C0027672, MeSH D009386, MONDO:0015356.
Hereditary nonpolyposis colorectal neoplasms. Identifiers: MedGen C0009405, MeSH D003123.

Submissions (2):

Ambry Genetics
Classification: Uncertain significance for Hereditary cancer-predisposing syndrome. Last evaluated: 2026-06-29. Review status: criteria provided, single submitter. Criteria: Ambry Variant Classification Scheme 2023. Collection method: clinical testing. Allele origin: germline.
Comment: The p.L72P variant (also known as c.215T>C), located in coding exon 1 of the MSH6 gene, results from a T to C substitution at nucleotide position 215. The leucine at codon 72 is replaced by proline, an amino acid with similar properties. This amino acid position is well conserved in available vertebrate species. In addition, the in silico prediction for this alteration is inconclusive. Based on the available evidence, the clinical significance of this variant remains unclear.

Labcorp Genetics (formerly Invitae), Labcorp
Classification: Uncertain significance for Hereditary nonpolyposis colorectal neoplasms. Last evaluated: 2022-10-19. Review status: criteria provided, single submitter. Criteria: Invitae Variant Classification Sherloc (09022015). Collection method: clinical testing. Allele origin: germline.
Comment: In summary, the available evidence is currently insufficient to determine the role of this variant in disease. Therefore, it has been classified as a Variant of Uncertain Significance. Advanced modeling of protein sequence and biophysical properties (such as structural, functional, and spatial information, amino acid conservation, physicochemical variation, residue mobility, and thermodynamic stability) performed at Invitae indicates that this missense variant is not expected to disrupt MSH6 protein function. This variant has not been reported in the literature in individuals affected with MSH6-related conditions. This variant is not present in population databases (gnomAD no frequency). This sequence change replaces leucine, which is neutral and non-polar, with proline, which is neutral and non-polar, at codon 72 of the MSH6 protein (p.Leu72Pro).

NM_000179.3(MSH6):c.215T>C (p.Leu72Pro)

Gene: MSH6 (mutS homolog 6; plus strand). Cytogenetic location: 2p16.3.
Variant type: single nucleotide variant.
Coding change: c.215T>C on transcript NM_000179.3 (MANE Select); coding-DNA position 215, T replaced by C.
Protein change: p.Leu72Pro; replaces leucine 72 with proline.
Molecular consequence: missense variant. On other transcripts: 5 prime UTR variant (7), non-coding transcript variant (5), intron variant (5).
Genome position (GRCh38, 1-based): chr2:47,783,448, T>C. VCF-style: chr2-47783448-T-C. GRCh37 (hg19) VCF-style: chr2-48010587-T-C.
Other names: c.215T>C, p.Leu72Pro (NM_001281492.2, NM_001406795.1, NM_001406796.1 and 9 more transcripts); c.-522T>C (NM_001281493.2, NM_001406811.1); c.-114T>C (NM_001406799.1); c.160T>C, p.Ser54Pro (NM_001406804.1); c.-714T>C (NM_001406807.1); c.-369T>C (NM_001406812.1); c.-780T>C (NM_001406814.1); c.-325T>C (NM_001406816.1); and 3 more; short protein forms L72P, S54P.
Identifiers: ClinVar variation 2808919 (VCV002808919.4), dbSNP rs2103942771, ClinGen allele CA346735072.